The following is an entry in ClinVar:

ClinVar aggregate classification (germline): Benign. Review status: criteria provided, multiple submitters, no conflicts (2 of 4 stars). 5 submissions from 5 submitters: Benign (5). Last evaluated 2026-02-04.

Conditions:
Osteogenesis imperfecta type 8 (OI8). Identifiers: MedGen C1970458, MONDO:0012581, OMIM 610915.

Allele frequency attached by ClinVar (database versions not stated): 1000 Genomes Project 30x 0.05887; ESP Exome Variant Server 0.06008; TOPMed 0.06012; 1000 Genomes Project 0.06150; gnomAD 0.06305 and 0.06385; gnomAD exomes 0.06881 and 0.07890; ExAC 0.07287.
gnomAD v4.1: 123,768 of 1,604,656 alleles (7.7%); highest among the groups gnomAD compares: South Asian, 9.1%; 5,128 homozygotes.

Submissions (43):

Labcorp Genetics (formerly Invitae), Labcorp
Classification: Benign for Osteogenesis imperfecta type 8. Last evaluated: 2026-02-04. Review status: criteria provided, single submitter. Criteria: Invitae Variant Classification Sherloc (09022015). Collection method: clinical testing. Allele origin: germline.

Blueprint Genetics
Classification: Benign. Last evaluated: 2024-11-26. Review status: criteria provided, single submitter. Criteria: ACMG Guidelines, 2015. Collection method: clinical testing. Allele origin: germline.

Genome-Nilou Lab
Classification: Benign for Osteogenesis imperfecta type 8. Last evaluated: 2023-04-11. Review status: criteria provided, single submitter. Criteria: ACMG Guidelines, 2015. Collection method: clinical testing. Allele origin: germline. Affected: no.

GeneDx
Classification: Benign. Last evaluated: 2016-04-15. Review status: criteria provided, single submitter. Criteria: GeneDx Variant Classification (06012015). Collection method: clinical testing. Allele origin: germline. Affected: yes.
Comment: This variant is considered likely benign or benign based on one or more of the following criteria: it is a conservative change, it occurs at a poorly conserved position in the protein, it is predicted to be benign by multiple in silico algorithms, and/or has population frequency not consistent with disease.

Breakthrough Genomics
Classification: Benign. Review status: criteria provided, single submitter. Criteria: ACMG Guidelines, 2015. Collection method: not provided. Allele origin: germline. Inheritance: Autosomal recessive inheritance. Affected: yes.

Dr. Peter K. Rogan Lab, Western University
No classification provided (evidence only). Condition: Familial cancer of breast. Review status: no classification provided. Collection method: in vitro. Allele origin: not applicable. Functional consequence: retained intron. Not counted in ClinVar's aggregate classification.

Dr. Peter K. Rogan Lab, Western University
No classification provided (evidence only). Condition: Malignant lymphoma, large B-cell, diffuse. Review status: no classification provided. Collection method: in vitro. Allele origin: not applicable. Functional consequence: retained intron. Not counted in ClinVar's aggregate classification.

Dr. Peter K. Rogan Lab, Western University
No classification provided (evidence only). Condition: Malignant lymphoma, large B-cell, diffuse. Review status: no classification provided. Collection method: in vitro. Allele origin: not applicable. Functional consequence: retained intron. Not counted in ClinVar's aggregate classification.

Dr. Peter K. Rogan Lab, Western University
No classification provided (evidence only). Condition: Malignant lymphoma, large B-cell, diffuse. Review status: no classification provided. Collection method: in vitro. Allele origin: not applicable. Functional consequence: retained intron. Not counted in ClinVar's aggregate classification.

Dr. Peter K. Rogan Lab, Western University
No classification provided (evidence only). Condition: Malignant lymphoma, large B-cell, diffuse. Review status: no classification provided. Collection method: in vitro. Allele origin: not applicable. Functional consequence: retained intron. Not counted in ClinVar's aggregate classification.

Dr. Peter K. Rogan Lab, Western University
No classification provided (evidence only). Condition: Thymoma. Review status: no classification provided. Collection method: in vitro. Allele origin: not applicable. Functional consequence: retained intron. Not counted in ClinVar's aggregate classification.

Dr. Peter K. Rogan Lab, Western University
No classification provided (evidence only). Condition: Thymoma. Review status: no classification provided. Collection method: in vitro. Allele origin: not applicable. Functional consequence: retained intron. Not counted in ClinVar's aggregate classification.

Dr. Peter K. Rogan Lab, Western University
No classification provided (evidence only). Condition: Thymoma. Review status: no classification provided. Collection method: in vitro. Allele origin: not applicable. Functional consequence: retained intron. Not counted in ClinVar's aggregate classification.

Dr. Peter K. Rogan Lab, Western University
No classification provided (evidence only). Condition: Thymoma. Review status: no classification provided. Collection method: in vitro. Allele origin: not applicable. Functional consequence: retained intron. Not counted in ClinVar's aggregate classification.

Dr. Peter K. Rogan Lab, Western University
No classification provided (evidence only). Condition: Thymoma. Review status: no classification provided. Collection method: in vitro. Allele origin: not applicable. Functional consequence: retained intron. Not counted in ClinVar's aggregate classification.

Dr. Peter K. Rogan Lab, Western University
No classification provided (evidence only). Condition: Thymoma. Review status: no classification provided. Collection method: in vitro. Allele origin: not applicable. Functional consequence: retained intron. Not counted in ClinVar's aggregate classification.

Dr. Peter K. Rogan Lab, Western University
No classification provided (evidence only). Condition: Thymoma. Review status: no classification provided. Collection method: in vitro. Allele origin: not applicable. Functional consequence: retained intron. Not counted in ClinVar's aggregate classification.

Dr. Peter K. Rogan Lab, Western University
No classification provided (evidence only). Condition: Thymoma. Review status: no classification provided. Collection method: in vitro. Allele origin: not applicable. Functional consequence: retained intron. Not counted in ClinVar's aggregate classification.

Dr. Peter K. Rogan Lab, Western University
No classification provided (evidence only). Condition: Thymoma. Review status: no classification provided. Collection method: in vitro. Allele origin: not applicable. Functional consequence: retained intron. Not counted in ClinVar's aggregate classification.

Dr. Peter K. Rogan Lab, Western University
No classification provided (evidence only). Condition: Thymoma. Review status: no classification provided. Collection method: in vitro. Allele origin: not applicable. Functional consequence: retained intron. Not counted in ClinVar's aggregate classification.

Dr. Peter K. Rogan Lab, Western University
No classification provided (evidence only). Condition: Thymoma. Review status: no classification provided. Collection method: in vitro. Allele origin: not applicable. Functional consequence: retained intron. Not counted in ClinVar's aggregate classification.

Dr. Peter K. Rogan Lab, Western University
No classification provided (evidence only). Condition: Thymoma. Review status: no classification provided. Collection method: in vitro. Allele origin: not applicable. Functional consequence: retained intron. Not counted in ClinVar's aggregate classification.

Dr. Peter K. Rogan Lab, Western University
No classification provided (evidence only). Condition: Thymoma. Review status: no classification provided. Collection method: in vitro. Allele origin: not applicable. Functional consequence: retained intron. Not counted in ClinVar's aggregate classification.

Dr. Peter K. Rogan Lab, Western University
No classification provided (evidence only). Condition: Thymoma. Review status: no classification provided. Collection method: in vitro. Allele origin: not applicable. Functional consequence: retained intron. Not counted in ClinVar's aggregate classification.

Dr. Peter K. Rogan Lab, Western University
No classification provided (evidence only). Condition: Thymoma. Review status: no classification provided. Collection method: in vitro. Allele origin: not applicable. Functional consequence: retained intron. Not counted in ClinVar's aggregate classification.

Dr. Peter K. Rogan Lab, Western University
No classification provided (evidence only). Condition: Thymoma. Review status: no classification provided. Collection method: in vitro. Allele origin: not applicable. Functional consequence: retained intron. Not counted in ClinVar's aggregate classification.

Dr. Peter K. Rogan Lab, Western University
No classification provided (evidence only). Condition: Cholangiocarcinoma. Review status: no classification provided. Collection method: in vitro. Allele origin: not applicable. Functional consequence: retained intron. Not counted in ClinVar's aggregate classification.

Dr. Peter K. Rogan Lab, Western University
No classification provided (evidence only). Condition: Cholangiocarcinoma. Review status: no classification provided. Collection method: in vitro. Allele origin: not applicable. Functional consequence: retained intron. Not counted in ClinVar's aggregate classification.

Dr. Peter K. Rogan Lab, Western University
No classification provided (evidence only). Condition: Cholangiocarcinoma. Review status: no classification provided. Collection method: in vitro. Allele origin: not applicable. Functional consequence: retained intron. Not counted in ClinVar's aggregate classification.

Dr. Peter K. Rogan Lab, Western University
No classification provided (evidence only). Condition: Cholangiocarcinoma. Review status: no classification provided. Collection method: in vitro. Allele origin: not applicable. Functional consequence: retained intron. Not counted in ClinVar's aggregate classification.

Dr. Peter K. Rogan Lab, Western University
No classification provided (evidence only). Condition: Cholangiocarcinoma. Review status: no classification provided. Collection method: in vitro. Allele origin: not applicable. Functional consequence: retained intron. Not counted in ClinVar's aggregate classification.

Dr. Peter K. Rogan Lab, Western University
No classification provided (evidence only). Condition: Uterine carcinosarcoma. Review status: no classification provided. Collection method: in vitro. Allele origin: not applicable. Functional consequence: retained intron. Not counted in ClinVar's aggregate classification.

Dr. Peter K. Rogan Lab, Western University
No classification provided (evidence only). Condition: Uterine carcinosarcoma. Review status: no classification provided. Collection method: in vitro. Allele origin: not applicable. Functional consequence: retained intron. Not counted in ClinVar's aggregate classification.

Dr. Peter K. Rogan Lab, Western University
No classification provided (evidence only). Condition: Uterine carcinosarcoma. Review status: no classification provided. Collection method: in vitro. Allele origin: not applicable. Functional consequence: retained intron. Not counted in ClinVar's aggregate classification.

Dr. Peter K. Rogan Lab, Western University
No classification provided (evidence only). Condition: Uterine carcinosarcoma. Review status: no classification provided. Collection method: in vitro. Allele origin: not applicable. Functional consequence: retained intron. Not counted in ClinVar's aggregate classification.

Dr. Peter K. Rogan Lab, Western University
No classification provided (evidence only). Condition: Uveal melanoma. Review status: no classification provided. Collection method: in vitro. Allele origin: not applicable. Functional consequence: retained intron. Not counted in ClinVar's aggregate classification.

Dr. Peter K. Rogan Lab, Western University
No classification provided (evidence only). Condition: Uveal melanoma. Review status: no classification provided. Collection method: in vitro. Allele origin: not applicable. Functional consequence: retained intron. Not counted in ClinVar's aggregate classification.

Dr. Peter K. Rogan Lab, Western University
No classification provided (evidence only). Condition: Uveal melanoma. Review status: no classification provided. Collection method: in vitro. Allele origin: not applicable. Functional consequence: retained intron. Not counted in ClinVar's aggregate classification.

Dr. Peter K. Rogan Lab, Western University
No classification provided (evidence only). Condition: Uveal melanoma. Review status: no classification provided. Collection method: in vitro. Allele origin: not applicable. Functional consequence: retained intron. Not counted in ClinVar's aggregate classification.

Dr. Peter K. Rogan Lab, Western University
No classification provided (evidence only). Condition: Uveal melanoma. Review status: no classification provided. Collection method: in vitro. Allele origin: not applicable. Functional consequence: retained intron. Not counted in ClinVar's aggregate classification.

Dr. Peter K. Rogan Lab, Western University
No classification provided (evidence only). Condition: Uveal melanoma. Review status: no classification provided. Collection method: in vitro. Allele origin: not applicable. Functional consequence: retained intron. Not counted in ClinVar's aggregate classification.

Dr. Peter K. Rogan Lab, Western University
No classification provided (evidence only). Condition: Hepatocellular carcinoma. Review status: no classification provided. Collection method: in vitro. Allele origin: not applicable. Functional consequence: retained intron. Not counted in ClinVar's aggregate classification.

Dr. Peter K. Rogan Lab, Western University
No classification provided (evidence only). Condition: Hepatocellular carcinoma. Review status: no classification provided. Collection method: in vitro. Allele origin: not applicable. Functional consequence: retained intron. Not counted in ClinVar's aggregate classification.

NM_022356.4(P3H1):c.1915-20T>G

Gene: P3H1 (prolyl 3-hydroxylase 1; minus strand). Cytogenetic location: 1p34.2.
Variant type: single nucleotide variant.
Coding change: c.1915-20T>G on transcript NM_022356.4 (MANE Select); 20 bases into the intron before coding-DNA position 1915, T replaced by G.
Molecular consequence: intron variant.
Genome position (GRCh38, 1-based): chr1:42,747,432, A>C on the plus strand (T>G on the coding strand, the complement: P3H1 is on the minus strand). VCF-style: chr1-42747432-A-C. GRCh37 (hg19) VCF-style: chr1-43213103-A-C.
Other names: c.1915-20T>G (NM_001146289.2, NM_001243246.2).
Identifiers: ClinVar variation 379422 (VCV000379422.12), dbSNP rs3738498, ClinGen allele CA801644.